The following is an entry in ClinVar:

NM_002485.5(NBN):c.862A>G (p.Lys288Glu)

Gene: NBN (nibrin; minus strand). Cytogenetic location: 8q21.3.
Variant type: single nucleotide variant.
Coding change: c.862A>G on transcript NM_002485.5 (MANE Select); coding-DNA position 862, A replaced by G.
Protein change: p.Lys288Glu; replaces lysine 288 with glutamic acid.
Molecular consequence: missense variant.
Genome position (GRCh38, 1-based): chr8:89,970,398, T>C on the plus strand (A>G on the coding strand, the complement: NBN is on the minus strand). VCF-style: chr8-89970398-T-C. GRCh37 (hg19) VCF-style: chr8-90982626-T-C.
Other names: c.616A>G, p.Lys206Glu (NM_001024688.3); short protein forms K288E, K206E.
Identifiers: ClinVar variation 2808777 (VCV002808777.3), dbSNP rs2488309207, ClinGen allele CA371658337.
Genomic context (GRCh38, chr8:89,970,398, plus strand): 5'-TTTACTAATAAAGAATAATTCTATACCTTTGGAGCATATCCATTATTGACTGAATCCATT[T>C]CTTCTGACAGTCAGGAATTAAGGTCTGTGAGTTTGTTATTCCTGTATCAACAACACACGT-3'
Protein context (NP_002476.2, residues 278-298): SQTLIPDCQK[Lys288Glu]WIQSIMDMLQ

ClinVar aggregate classification (germline): Uncertain significance (1 of 4 stars; one submission).

Conditions:
Microcephaly, normal intelligence and immunodeficiency (NBS). Also called: BERLIN BREAKAGE SYNDROME; Ataxia telangiectasia variant V1; Immunodeficiency, microcephaly with normal intelligence; IMMUNODEFICIENCY, MICROCEPHALY, AND CHROMOSOMAL INSTABILITY; SEEMANOVA SYNDROME II; Nijmegen breakage syndrome. Identifiers: Orphanet 647, MedGen C0398791, MONDO:0009623, OMIM 251260.

Submission:

Labcorp Genetics (formerly Invitae), Labcorp
Classification: Uncertain significance for Microcephaly, normal intelligence and immunodeficiency. Last evaluated: 2022-10-17. Review status: criteria provided, single submitter. Criteria: Invitae Variant Classification Sherloc (09022015). Collection method: clinical testing. Allele origin: germline.
Comment: In summary, the available evidence is currently insufficient to determine the role of this variant in disease. Therefore, it has been classified as a Variant of Uncertain Significance. Algorithms developed to predict the effect of missense changes on protein structure and function (SIFT, PolyPhen-2, Align-GVGD) all suggest that this variant is likely to be tolerated. This variant has not been reported in the literature in individuals affected with NBN-related conditions. This variant is not present in population databases (gnomAD no frequency). This sequence change replaces lysine, which is basic and polar, with glutamic acid, which is acidic and polar, at codon 288 of the NBN protein (p.Lys288Glu).